The following is an entry in ClinVar:

ClinVar aggregate classification (germline): Uncertain significance (1 of 4 stars; one submission).

Conditions:
Autosomal dominant hypocalcemia 1 (HYPOC1). Also called: HYPOCALCEMIA, FAMILIAL. Identifiers: MedGen C3715128, MONDO:0011013, OMIM 601198.
Familial hypocalciuric hypercalcemia (FHH). Also called: Familial benign hypercalcemia. Identifiers: Orphanet 405, MedGen C1809471, MONDO:0018458.

Submission:

Labcorp Genetics (formerly Invitae), Labcorp
Classification: Uncertain significance for Familial hypocalciuric hypercalcemia; Autosomal dominant hypocalcemia 1. Last evaluated: 2023-06-15. Review status: criteria provided, single submitter. Criteria: Invitae Variant Classification Sherloc (09022015). Collection method: clinical testing. Allele origin: germline.
Comment: This sequence change replaces asparagine, which is neutral and polar, with aspartic acid, which is acidic and polar, at codon 118 of the CASR protein (p.Asn118Asp). In summary, the available evidence is currently insufficient to determine the role of this variant in disease. Therefore, it has been classified as a Variant of Uncertain Significance. An algorithm developed to predict the effect of missense changes on protein structure and function (PolyPhen-2) suggests that this variant is likely to be disruptive. This variant has not been reported in the literature in individuals affected with CASR-related conditions. This variant is not present in population databases (gnomAD no frequency).

NM_000388.4(CASR):c.352A>G (p.Asn118Asp)

Gene: CASR (calcium sensing receptor; plus strand). Cytogenetic location: 3q21.1.
Variant type: single nucleotide variant.
Coding change: c.352A>G on transcript NM_000388.4 (MANE Select); coding-DNA position 352, A replaced by G.
Protein change: p.Asn118Asp; replaces asparagine 118 with aspartic acid.
Molecular consequence: missense variant.
Genome position (GRCh38, 1-based): chr3:122,257,247, A>G. VCF-style: chr3-122257247-A-G. GRCh37 (hg19) VCF-style: chr3-121976094-A-G.
Other names: c.352A>G, p.Asn118Asp (NM_001178065.2); short protein forms N118D.
Identifiers: ClinVar variation 2948871 (VCV002948871.3), dbSNP rs2473214753, ClinGen allele CA354362709.
Genomic context (GRCh38, chr3:122,257,247, plus strand): 5'-TTTGACACTTGCAACACCGTTTCTAAGGCCTTGGAAGCCACCCTGAGTTTTGTTGCTCAA[A>G]ACAAAATTGATTCTTTGAACCTTGATGAGTTCTGCAACTGCTCAGAGCACATTCCCTCTA-3'
Protein context (NP_000379.3, residues 108-128): LEATLSFVAQ[Asn118Asp]KIDSLNLDEF